The following is an entry in ClinVar:

NM_001376571.1(MADD):c.3818G>A (p.Arg1273His)

Gene: MADD (MAP kinase activating death domain; plus strand). Cytogenetic location: 11p11.2.
Variant type: single nucleotide variant.
Coding change: c.3818G>A on transcript NM_001376571.1 (MANE Select); coding-DNA position 3818, G replaced by A.
Protein change: p.Arg1273His; replaces arginine 1273 with histidine.
Molecular consequence: missense variant. On other transcripts: non-coding transcript variant (8).
Genome position (GRCh38, 1-based): chr11:47,308,649, G>A. VCF-style: chr11-47308649-G-A. GRCh37 (hg19) VCF-style: chr11-47330200-G-A.
Other names: c.3572G>A, p.Arg1191His (NM_001135943.2, NM_001376653.1); c.3563G>A, p.Arg1188His (NM_001135944.2, NM_001376604.1, NM_001376618.1 and 4 more transcripts); c.3806G>A, p.Arg1269His (NM_001376572.1, NM_001376573.1, NM_001376599.1 and 2 more transcripts); c.3764G>A, p.Arg1255His (NM_001376574.1, NM_001376605.1, NM_130473.3); c.3758G>A, p.Arg1253His (NM_001376575.1); c.3746G>A, p.Arg1249His (NM_001376576.1, NM_001376577.1, NM_001376610.1); c.3719G>A, p.Arg1240His (NM_001376578.1); c.3692G>A, p.Arg1231His (NM_001376579.1, NM_001376580.1, NM_001376593.1 and 3 more transcripts); and 35 more; short protein forms R1062H, R1138H, R1141H, R1201H, R1209H, R1217H, R1229H, R1230H.
Identifiers: ClinVar variation 2371363 (VCV002371363.4), dbSNP rs41299179, ClinGen allele CA5974932.

ClinVar aggregate classification (germline): Uncertain significance. Review status: criteria provided, multiple submitters, no conflicts (2 of 4 stars). 2 submissions from 2 submitters: Uncertain significance (2). Last evaluated 2025-11-15.

Conditions:
Inborn genetic diseases. Identifiers: MedGen C0950123, MeSH D030342.

Allele frequency attached by ClinVar (database versions not stated): ExAC 0.00031; TOPMed 0.00034; gnomAD 0.00044; ESP Exome Variant Server 0.00069.
gnomAD v4.1: 942 of 1,613,868 alleles (0.058%); highest among the groups gnomAD compares: Non-Finnish European, 0.069%; no homozygotes.

Submissions (2):

GeneDx
Classification: Uncertain significance. Last evaluated: 2025-11-15. Review status: criteria provided, single submitter. Criteria: GeneDx Variant Classification Process June 2021. Collection method: clinical testing. Allele origin: germline.
Comment: In silico analysis suggests that this missense variant does not alter protein structure/function; Has not been previously published as pathogenic or benign to our knowledge

Ambry Genetics
Classification: Uncertain significance for Inborn genetic diseases. Last evaluated: 2021-01-28. Review status: criteria provided, single submitter. Criteria: Ambry Variant Classification Scheme 2023. Collection method: clinical testing. Allele origin: germline.